The following is an entry in ClinVar:

NM_001303256.3(MORC2):c.187A>T (p.Met63Leu)

Gene: MORC2 (MORC family CW-type zinc finger 2; minus strand). Cytogenetic location: 22q12.2.
Variant type: single nucleotide variant.
Coding change: c.187A>T on transcript NM_001303256.3 (MANE Select); coding-DNA position 187, A replaced by T.
Protein change: p.Met63Leu; replaces methionine 63 with leucine.
Molecular consequence: missense variant. On other transcripts: initiator codon variant (1).
Genome position (GRCh38, 1-based): chr22:30,950,416, T>A on the plus strand (A>T on the coding strand, the complement: MORC2 is on the minus strand). VCF-style: chr22-30950416-T-A. GRCh37 (hg19) VCF-style: chr22-31346402-T-A.
Other names: c.187A>T, p.Met63Leu (NM_001303257.2); c.1A>T, p.Met1Leu (NM_014941.3); short protein forms M1L, M63L.
Identifiers: ClinVar variation 581920 (VCV000581920.15), dbSNP rs748092969, ClinGen allele CA10187353.
Genomic context (GRCh38, chr22:30,950,416, plus strand): 5'-AACAATAATCTCATCACTTACTTGGATCCATTCCTGCTCCATCATCCAAAAAGCAAAGCA[T>A]AAATCCTCCTCGAAGGTCCTCTCGTCTTTCTGTAAAAGAAGCAGCTGCCATTACTGGGCC-3'
Protein context (NP_001290185.1, residues 53-73): ERREDLRGGF[Met63Leu]LCFLDDGAGM

ClinVar aggregate classification (germline): Conflicting classifications of pathogenicity. Review status: criteria provided, conflicting classifications (1 of 4 stars). 3 submissions from 3 submitters: Uncertain significance (2); Likely benign (1). Last evaluated 2023-09-19.

Conditions:
Charcot-Marie-Tooth disease axonal type 2Z. Also called: CHARCOT-MARIE-TOOTH DISEASE, AXONAL, AUTOSOMAL DOMINANT, TYPE 2Z; CHARCOT-MARIE-TOOTH NEUROPATHY, TYPE 2Z. Identifiers: Orphanet 466768, MedGen C5569025, MONDO:0014736, OMIM 616688.

Allele frequency attached by ClinVar (database versions not stated): gnomAD 0.00002; TOPMed 0.00004; ExAC 0.00007.
gnomAD v4.1: 16 of 1,395,144 alleles (0.0011%); highest among the groups gnomAD compares: East Asian, 0.057%; no homozygotes.

Submissions (3):

Labcorp Genetics (formerly Invitae), Labcorp
Classification: Uncertain significance for Charcot-Marie-Tooth disease axonal type 2Z. Last evaluated: 2023-09-19. Review status: criteria provided, single submitter. Criteria: Invitae Variant Classification Sherloc (09022015). Collection method: clinical testing. Allele origin: germline.
Comment: This sequence change replaces methionine, which is neutral and non-polar, with leucine, which is neutral and non-polar, at codon 63 of the MORC2 protein (p.Met63Leu). This variant is present in population databases (rs748092969, gnomAD 0.06%). This variant has not been reported in the literature in individuals affected with MORC2-related conditions. ClinVar contains an entry for this variant (Variation ID: 581920). Advanced modeling of protein sequence and biophysical properties (such as structural, functional, and spatial information, amino acid conservation, physicochemical variation, residue mobility, and thermodynamic stability) performed at Invitae indicates that this missense variant is expected to disrupt MORC2 protein function. In summary, the available evidence is currently insufficient to determine the role of this variant in disease. Therefore, it has been classified as a Variant of Uncertain Significance.

Revvity Omics, Revvity
Classification: Uncertain significance. Last evaluated: 2021-12-30. Review status: criteria provided, single submitter. Criteria: ACMG Guidelines, 2015. Collection method: clinical testing. Allele origin: germline.

GeneDx
Classification: Likely benign. Last evaluated: 2020-10-26. Review status: criteria provided, single submitter. Criteria: GeneDx Variant Classification Process June 2021. Collection method: clinical testing. Allele origin: germline. Affected: yes.